The following is an entry in ClinVar:

ClinVar aggregate classification (germline): Pathogenic (1 of 4 stars; one submission).

Conditions:
Duchenne muscular dystrophy (DMD). Also called: MUSCULAR DYSTROPHY, PSEUDOHYPERTROPHIC PROGRESSIVE, DUCHENNE TYPE; Duchenne Muscular Dystrophy (DMD). Identifiers: Orphanet 98896, MedGen C0013264, MONDO:0010679, OMIM 310200.

Submission:

Labcorp Genetics (formerly Invitae), Labcorp
Classification: Pathogenic for Duchenne muscular dystrophy. Last evaluated: 2022-11-21. Review status: criteria provided, single submitter. Criteria: Invitae Variant Classification Sherloc (09022015). Collection method: clinical testing. Allele origin: unknown.
Comment: This variant has not been reported in the literature in individuals affected with DMD-related conditions. For these reasons, this variant has been classified as Pathogenic. This variant is a gross deletion of the genomic region encompassing exon(s) 1-61 of the DMD gene, which includes the initiator codon. This deletion extends beyond the assayed region for this gene and therefore may encompass additional genes. It is expected to result in an absent or disrupted protein product. Loss-of-function variants in DMD are known to be pathogenic (PMID: 16770791, 25007885).

Literature cited by the submitters: PubMed 16770791; PubMed 25007885.

NC_000023.10:g.(?_31366653)_(33229429_?)del

Gene: DMD (dystrophin; minus strand). Cytogenetic location: Xp21.2-21.1.
Variant type: Deletion.
Identifiers: ClinVar variation 3243382 (VCV003243382.1).